The following is an entry in ClinVar:

ClinVar aggregate classification (germline): Uncertain significance. Review status: criteria provided, multiple submitters, no conflicts (2 of 4 stars). 2 submissions from 2 submitters: Uncertain significance (2). Last evaluated 2025-04-08.

Conditions:
Inborn genetic diseases. Identifiers: MedGen C0950123, MeSH D030342.

Allele frequency attached by ClinVar (database versions not stated): gnomAD 0.00001; gnomAD exomes 0.00001; TOPMed 0.00001.

Submissions (2):

Ambry Genetics
Classification: Uncertain significance for Inborn genetic diseases. Last evaluated: 2025-04-08. Review status: criteria provided, single submitter. Criteria: Ambry Variant Classification Scheme 2023. Collection method: clinical testing. Allele origin: germline.

Labcorp Genetics (formerly Invitae), Labcorp
Classification: Uncertain significance. Last evaluated: 2024-01-14. Review status: criteria provided, single submitter. Criteria: Invitae Variant Classification Sherloc (09022015). Collection method: clinical testing. Allele origin: germline.
Comment: This sequence change replaces valine, which is neutral and non-polar, with methionine, which is neutral and non-polar, at codon 455 of the IMPDH1 protein (p.Val455Met). This variant is not present in population databases (gnomAD no frequency). This variant has not been reported in the literature in individuals affected with IMPDH1-related conditions. ClinVar contains an entry for this variant (Variation ID: 2160581). An algorithm developed to predict the effect of missense changes on protein structure and function (PolyPhen-2) suggests that this variant is likely to be disruptive. In summary, the available evidence is currently insufficient to determine the role of this variant in disease. Therefore, it has been classified as a Variant of Uncertain Significance.

NM_000883.4(IMPDH1):c.1363G>A (p.Val455Met)

Gene: IMPDH1 (inosine monophosphate dehydrogenase 1; minus strand). Cytogenetic location: 7q32.1.
Variant type: single nucleotide variant.
Coding change: c.1363G>A on transcript NM_000883.4 (MANE Select); coding-DNA position 1363, G replaced by A.
Protein change: p.Val455Met; replaces valine 455 with methionine.
Molecular consequence: missense variant.
Genome position (GRCh38, 1-based): chr7:128,395,173, C>T on the plus strand (G>A on the coding strand, the complement: IMPDH1 is on the minus strand). VCF-style: chr7-128395173-C-T. GRCh37 (hg19) VCF-style: chr7-128035227-C-T.
Other names: c.1363G>A (NM_000883.3); c.1333G>A, p.Val445Met (NM_001102605.2); c.1108G>A, p.Val370Met (NM_001142573.2); c.1093G>A, p.Val365Met (NM_001142574.2); c.1033G>A, p.Val345Met (NM_001142575.2); c.1264G>A, p.Val422Met (NM_001142576.2); c.1156G>A, p.Val386Met (NM_001304521.2); c.1255G>A, p.Val419Met (NM_183243.3); short protein forms V386M, V370M, V419M, V422M, V365M, V445M, V345M, V455M.
Identifiers: ClinVar variation 2160581 (VCV002160581.6), dbSNP rs896625503, ClinGen allele CA166122446.